The following is an entry in ClinVar:

ClinVar aggregate classification (germline): Uncertain significance (1 of 4 stars; one submission).

Conditions:
RASopathy. Also called: rasopathies; Noonan spectrum disorder. Identifiers: Orphanet 536391, MedGen C5555857, MONDO:0021060.

Submission:

Labcorp Genetics (formerly Invitae), Labcorp
Classification: Uncertain significance for RASopathy. Last evaluated: 2023-03-21. Review status: criteria provided, single submitter. Criteria: Invitae Variant Classification Sherloc (09022015). Collection method: clinical testing. Allele origin: germline.
Comment: This sequence change replaces arginine, which is basic and polar, with leucine, which is neutral and non-polar, at codon 179 of the MAP2K2 protein (p.Arg179Leu). Information on the frequency of this variant in the gnomAD database is not available, as this variant may be reported differently in the database. This variant has not been reported in the literature in individuals affected with MAP2K2-related conditions. An algorithm developed to predict the effect of missense changes on protein structure and function (PolyPhen-2) suggests that this variant is likely to be tolerated. In summary, the available evidence is currently insufficient to determine the role of this variant in disease. Therefore, it has been classified as a Variant of Uncertain Significance.

NM_030662.4(MAP2K2):c.536_537delinsTT (p.Arg179Leu)

Gene: MAP2K2 (mitogen-activated protein kinase kinase 2; minus strand). Cytogenetic location: 19p13.3.
Variant type: Indel.
Coding change: c.536_537delinsTT on transcript NM_030662.4 (MANE Select); coding-DNA positions 536 to 537, GG replaced by TT.
Protein change: p.Arg179Leu; replaces arginine 179 with leucine.
Molecular consequence: missense variant.
Genome position (GRCh38, 1-based): chr19:4,101,272-4,101,273, CC replaced by AA on the plus strand (GG replaced by TT on the coding strand, the reverse complement: MAP2K2 is on the minus strand). VCF-style: chr19-4101272-CC-AA. GRCh37 (hg19) VCF-style: chr19-4101270-CC-AA.
Other names: short protein forms R179L.
Identifiers: ClinVar variation 2842098 (VCV002842098.3), dbSNP rs2512310652, ClinGen allele CA2739276367.